The following is an entry in ClinVar:

ClinVar aggregate classification (germline): Uncertain significance (1 of 4 stars; one submission).

Submission:

Labcorp Genetics (formerly Invitae), Labcorp
Classification: Uncertain significance. Last evaluated: 2021-12-22. Review status: criteria provided, single submitter. Criteria: Invitae Variant Classification Sherloc (09022015). Collection method: clinical testing. Allele origin: germline.
Comment: This variant is not present in population databases (gnomAD no frequency). This variant has not been reported in the literature in individuals affected with COL11A2-related conditions. Algorithms developed to predict the effect of missense changes on protein structure and function are either unavailable or do not agree on the potential impact of this missense change (SIFT: "Deleterious"; PolyPhen-2: "Not Available"; Align-GVGD: "Class C65"). In summary, the available evidence is currently insufficient to determine the role of this variant in disease. Therefore, it has been classified as a Variant of Uncertain Significance. This sequence change replaces arginine, which is basic and polar, with leucine, which is neutral and non-polar, at codon 1284 of the COL11A2 protein (p.Arg1284Leu).

NM_080680.3(COL11A2):c.3851G>T (p.Arg1284Leu)

Gene: COL11A2 (collagen type XI alpha 2 chain; minus strand). Cytogenetic location: 6p21.32.
Variant type: single nucleotide variant.
Coding change: c.3851G>T on transcript NM_080680.3 (MANE Select); coding-DNA position 3851, G replaced by T.
Protein change: p.Arg1284Leu; replaces arginine 1284 with leucine.
Molecular consequence: missense variant.
Genome position (GRCh38, 1-based): chr6:33,168,956, C>A on the plus strand (G>T on the coding strand, the complement: COL11A2 is on the minus strand). VCF-style: chr6-33168956-C-A. GRCh37 (hg19) VCF-style: chr6-33136733-C-A.
Other names: c.3530G>T, p.Arg1177Leu (NM_080679.3); c.3593G>T, p.Arg1198Leu (NM_080681.3); short protein forms R1198L, R1284L, R1177L.
Identifiers: ClinVar variation 2052924 (VCV002052924.4), dbSNP rs773296454, ClinGen allele CA363627058.
Genomic context (GRCh38, chr6:33,168,956, plus strand): 5'-GGACCCCCCCATAGAAGCCCCACCCTTTTTGCCCCTTCCCTTCTCTGAGTAAGACTCACC[C>A]GAGGGCCACCTTCTCCAGGGGGGCCAGGGTCACCAGGAAAACCAACAGGACCCTGATCCA-3'
Protein context (NP_542411.2, residues 1274-1294): DPGPPGEGGP[Arg1284Leu]GQDGAKGDRG